The following is an entry in ClinVar:

NM_002292.4(LAMB2):c.4097A>G (p.His1366Arg)

Gene: LAMB2 (laminin subunit beta 2; minus strand). Cytogenetic location: 3p21.31.
Variant type: single nucleotide variant.
Coding change: c.4097A>G on transcript NM_002292.4 (MANE Select); coding-DNA position 4097, A replaced by G.
Protein change: p.His1366Arg; replaces histidine 1366 with arginine.
Molecular consequence: missense variant.
Genome position (GRCh38, 1-based): chr3:49,123,259, T>C on the plus strand (A>G on the coding strand, the complement: LAMB2 is on the minus strand). VCF-style: chr3-49123259-T-C. GRCh37 (hg19) VCF-style: chr3-49160692-T-C.
Other names: c.4097A>G (NM_002292.3); short protein forms H1366R.
Identifiers: ClinVar variation 1399805 (VCV001399805.9), dbSNP rs201519651, ClinGen allele CA2393874.
Genomic context (GRCh38, chr3:49,123,259, plus strand): 5'-TTGGCCATGTGTTTGCTGTTGAAGTCCTCCTTCTGAGCATCCATCAGTGCCTCTGTCCGA[T>C]GCCGAGCACTTGCCGAGTTGCTCACAGGGCTAGGTACTGCCAGGGCTGAGGTATTGGCAC-3'
Protein context (NP_002283.3, residues 1356-1376): SPVSNSASAR[His1366Arg]RTEALMDAQK

ClinVar aggregate classification (germline): Uncertain significance. Review status: criteria provided, multiple submitters, no conflicts (2 of 4 stars). 3 submissions from 3 submitters: Uncertain significance (3). Last evaluated 2024-01-02.

Conditions:
Inborn genetic diseases. Identifiers: MedGen C0950123, MeSH D030342.
Pierson syndrome. Also called: MICROCORIA-CONGENITAL NEPHROTIC SYNDROME. Identifiers: Orphanet 2670, MedGen C1836876, MONDO:0012184, OMIM 609049.
LAMB2-related infantile-onset nephrotic syndrome. Also called: NEPHROTIC SYNDROME, TYPE 5, WITHOUT OCULAR ABNORMALITIES; NEPHROTIC SYNDROME, TYPE 5, WITH OCULAR ABNORMALITIES; Nephrotic Syndrome, type 5. Identifiers: Orphanet 306507, MedGen C3280113, MONDO:0013621, OMIM 614199.

Allele frequency attached by ClinVar (database versions not stated): TOPMed 0.00002; gnomAD 0.00003; ExAC 0.00006; gnomAD exomes 0.00006; 1000 Genomes Project 0.00020; 1000 Genomes Project 30x 0.00031.
gnomAD v4.1: 28 of 1,614,106 alleles (0.0017%); highest among the groups gnomAD compares: East Asian, 0.033%; no homozygotes.

Submissions (3):

Fulgent Genetics
Classification: Uncertain significance for Pierson syndrome; LAMB2-related infantile-onset nephrotic syndrome. Last evaluated: 2024-01-02. Review status: criteria provided, single submitter. Criteria: ACMG Guidelines, 2015. Collection method: clinical testing. Allele origin: germline.

Ambry Genetics
Classification: Uncertain significance for Inborn genetic diseases. Last evaluated: 2023-06-29. Review status: criteria provided, single submitter. Criteria: Ambry Variant Classification Scheme 2023. Collection method: clinical testing. Allele origin: germline.

Labcorp Genetics (formerly Invitae), Labcorp
Classification: Uncertain significance for LAMB2-related infantile-onset nephrotic syndrome; Pierson syndrome. Last evaluated: 2022-07-12. Review status: criteria provided, single submitter. Criteria: Invitae Variant Classification Sherloc (09022015). Collection method: clinical testing. Allele origin: germline.
Comment: In summary, the available evidence is currently insufficient to determine the role of this variant in disease. Therefore, it has been classified as a Variant of Uncertain Significance. Algorithms developed to predict the effect of missense changes on protein structure and function output the following: SIFT: "Tolerated"; PolyPhen-2: "Benign"; Align-GVGD: "Class C0". The arginine amino acid residue is found in multiple mammalian species, which suggests that this missense change does not adversely affect protein function. ClinVar contains an entry for this variant (Variation ID: 1399805). This variant has not been reported in the literature in individuals affected with LAMB2-related conditions. This variant is present in population databases (rs201519651, gnomAD 0.07%). This sequence change replaces histidine, which is basic and polar, with arginine, which is basic and polar, at codon 1366 of the LAMB2 protein (p.His1366Arg).